The following is an entry in ClinVar:

ClinVar aggregate classification (germline): Benign/Likely benign. Review status: criteria provided, multiple submitters, no conflicts (2 of 4 stars). 4 submissions from 4 submitters: Benign (1); Likely benign (3). Last evaluated 2026-07-01.

Allele frequency attached by ClinVar (database versions not stated): gnomAD 0.00013; 1000 Genomes Project 0.00020; TOPMed 0.00028; 1000 Genomes Project 30x 0.00031; ESP Exome Variant Server 0.00031.
gnomAD v4.1: 368 of 1,614,106 alleles (0.023%); highest among the groups gnomAD compares: Middle Eastern, 0.15%; 1 homozygote.

Submissions (4):

CeGaT Center for Human Genetics Tuebingen
Classification: Likely benign. Last evaluated: 2026-07-01. Review status: criteria provided, single submitter. Criteria: CeGaT Center For Human Genetics Tuebingen Variant Classification Criteria Version 2. Collection method: clinical testing. Allele origin: germline. Affected: yes. Observed: 2 variant alleles.
Comment: DENND5A: BP4, BP7

Labcorp Genetics (formerly Invitae), Labcorp
Classification: Benign. Last evaluated: 2026-01-31. Review status: criteria provided, single submitter. Criteria: Invitae Variant Classification Sherloc (09022015). Collection method: clinical testing. Allele origin: germline.

Blueprint Genetics
Classification: Likely benign. Last evaluated: 2024-11-05. Review status: criteria provided, single submitter. Criteria: ACMG Guidelines, 2015. Collection method: clinical testing. Allele origin: germline.

Breakthrough Genomics
Classification: Likely benign. Review status: criteria provided, single submitter. Criteria: ACMG Guidelines, 2015. Collection method: not provided. Allele origin: germline. Inheritance: Autosomal recessive inheritance. Affected: yes.

NM_015213.4(DENND5A):c.3471G>A (p.Ser1157=)

Gene: DENND5A (DENN domain containing 5A; minus strand). Cytogenetic location: 11p15.4.
Variant type: single nucleotide variant.
Coding change: c.3471G>A on transcript NM_015213.4 (MANE Select); coding-DNA position 3471, G replaced by A.
Protein change: p.Ser1157=; no amino-acid change (serine 1157 retained).
Molecular consequence: synonymous variant. On other transcripts: non-coding transcript variant (1).
Genome position (GRCh38, 1-based): chr11:9,142,762, C>T on the plus strand (G>A on the coding strand, the complement: DENND5A is on the minus strand). VCF-style: chr11-9142762-C-T. GRCh37 (hg19) VCF-style: chr11-9164309-C-T.
Other names: c.3471G>A, p.Ser1157= (NM_001243254.2); c.3399G>A, p.Ser1133= (NM_001348749.2); c.3183G>A, p.Ser1061= (NM_001348750.2).
Identifiers: ClinVar variation 741225 (VCV000741225.51), dbSNP rs145302750, ClinGen allele CA5877027.